The following is an entry in ClinVar:

NM_020884.7(MYH7B):c.1050T>G (p.Cys350Trp)

Gene: MYH7B (myosin heavy chain 7B; plus strand). Cytogenetic location: 20q11.22.
Variant type: single nucleotide variant.
Coding change: c.1050T>G on transcript NM_020884.7 (MANE Select); coding-DNA position 1050, T replaced by G.
Protein change: p.Cys350Trp; replaces cysteine 350 with tryptophan.
Molecular consequence: missense variant.
Genome position (GRCh38, 1-based): chr20:34,987,190, T>G. VCF-style: chr20-34987190-T-G. GRCh37 (hg19) VCF-style: chr20-33574993-T-G.
Other names: c.1176T>G (NM_020884.3); short protein forms C350W.
Identifiers: ClinVar variation 1345638 (VCV001345638.9), dbSNP rs200375788, ClinGen allele CA9826784.

ClinVar aggregate classification (germline): Uncertain significance. Review status: criteria provided, multiple submitters, no conflicts (2 of 4 stars). 2 submissions from 2 submitters: Uncertain significance (2). Last evaluated 2023-11-14.

Allele frequency attached by ClinVar (database versions not stated): ExAC 0.00001; gnomAD exomes 0.00001 and 0.00002; gnomAD 0.00009; 1000 Genomes Project 0.00020; 1000 Genomes Project 30x 0.00031; TOPMed 0.00034.
gnomAD v4.1: 27 of 1,613,242 alleles (0.0017%); highest among the groups gnomAD compares: Admixed American, 0.037%; no homozygotes.

Submissions (2):

Ambry Genetics
Classification: Uncertain significance. Last evaluated: 2023-11-14. Review status: criteria provided, single submitter. Criteria: Ambry Variant Classification Scheme 2023. Collection method: clinical testing. Allele origin: germline.

Labcorp Genetics (formerly Invitae), Labcorp
Classification: Uncertain significance. Last evaluated: 2023-07-18. Review status: criteria provided, single submitter. Criteria: Invitae Variant Classification Sherloc (09022015). Collection method: clinical testing. Allele origin: germline.
Comment: In summary, the available evidence is currently insufficient to determine the role of this variant in disease. Therefore, it has been classified as a Variant of Uncertain Significance. Advanced modeling of protein sequence and biophysical properties (such as structural, functional, and spatial information, amino acid conservation, physicochemical variation, residue mobility, and thermodynamic stability) performed at Invitae indicates that this missense variant is not expected to disrupt MYH7B protein function. ClinVar contains an entry for this variant (Variation ID: 1345638). This variant has not been reported in the literature in individuals affected with MYH7B-related conditions. This variant is present in population databases (rs200375788, gnomAD 0.01%). This sequence change replaces cysteine, which is neutral and slightly polar, with tryptophan, which is neutral and slightly polar, at codon 392 of the MYH7B protein (p.Cys392Trp).